The following is an entry in ClinVar:

NM_012431.3(SEMA3E):c.1670G>A (p.Arg557His)

Gene: SEMA3E (semaphorin 3E; minus strand). Cytogenetic location: 7q21.11.
Variant type: single nucleotide variant.
Coding change: c.1670G>A on transcript NM_012431.3 (MANE Select); coding-DNA position 1670, G replaced by A.
Protein change: p.Arg557His; replaces arginine 557 with histidine.
Molecular consequence: missense variant.
Genome position (GRCh38, 1-based): chr7:83,387,048, C>T on the plus strand (G>A on the coding strand, the complement: SEMA3E is on the minus strand). VCF-style: chr7-83387048-C-T. GRCh37 (hg19) VCF-style: chr7-83016364-C-T.
Other names: c.1490G>A, p.Arg497His (NM_001178129.2); short protein forms R557H, R497H.
Identifiers: ClinVar variation 424118 (VCV000424118.5), dbSNP rs1064796805, ClinGen allele CA16618568.
Genomic context (GRCh38, chr7:83,387,048, plus strand): 5'-AACTGTTGTCCAAAGCACTGCTGAGCTGCATTTCCATGTCGAACATCTTGTCTCCGGAAA[C>T]GCCTGAAAGAAAGTAAATGCATTTAGATGTTCATTTTTTCAATTTTCCAGACTTTAAAAT-3'
Protein context (NP_036563.1, residues 547-567): YYPTGTHAKR[Arg557His]FRRQDVRHGN

ClinVar aggregate classification (germline): Uncertain significance. Review status: criteria provided, multiple submitters, no conflicts (2 of 4 stars). 2 submissions from 2 submitters: Uncertain significance (2). Last evaluated 2025-12-03.

Allele frequency attached by ClinVar (database versions not stated): gnomAD exomes below 0.00001; gnomAD 0.00001.
gnomAD v4.1: 4 of 1,612,668 alleles (0.00025%); highest among the groups gnomAD compares: Non-Finnish European, 0.00034%; no homozygotes.

Submissions (2):

GeneDx
Classification: Uncertain significance. Last evaluated: 2025-12-03. Review status: criteria provided, single submitter. Criteria: GeneDx Variant Classification Process June 2021. Collection method: clinical testing. Allele origin: germline. Affected: yes.
Comment: In silico analysis supports that this missense variant has a deleterious effect on protein structure/function; Has not been previously published as pathogenic or benign to our knowledge; Variants in candidate genes are classified as variants of uncertain significance in accordance with ACMG guidelines (PMID: 25741868)

Ambry Genetics
Classification: Uncertain significance. Last evaluated: 2022-04-06. Review status: criteria provided, single submitter. Criteria: Ambry Variant Classification Scheme 2023. Collection method: clinical testing. Allele origin: germline.